The following is an entry in ClinVar:

ClinVar aggregate classification (germline): Uncertain significance. Review status: criteria provided, multiple submitters, no conflicts (2 of 4 stars). 2 submissions from 2 submitters: Uncertain significance (2). Last evaluated 2025-07-26.

Conditions:
Ornithine carbamoyltransferase deficiency (OTCD). Also called: OTC DEFICIENCY; ORNITHINE TRANSCARBAMYLASE DEFICIENCY; ORNITHINE TRANSCARBAMYLASE DEFICIENCY, HYPERAMMONEMIA DUE TO; Ornithine Carbamoyltransferase Deficiency Disease. Identifiers: Orphanet 664, MedGen C0268542, MONDO:0010703, OMIM 311250.

gnomAD v4.1: 1 of 1,198,680 alleles (0.000083%); highest among the groups gnomAD compares: African/African-American, 0.0018%; no homozygotes.

Submissions (2):

GeneDx
Classification: Uncertain significance. Last evaluated: 2025-07-26. Review status: criteria provided, single submitter. Criteria: GeneDx Variant Classification Process June 2021. Collection method: clinical testing. Allele origin: germline. Affected: yes.
Comment: Published functional studies support this variant is associated with mildly impaired OTC activity (PMID: 37146589); Not observed at significant frequency in large population cohorts (gnomAD); In silico analysis supports that this missense variant has a deleterious effect on protein structure/function; This variant is associated with the following publications: (PMID: 37146589)

Labcorp Genetics (formerly Invitae), Labcorp
Classification: Uncertain significance for Ornithine carbamoyltransferase deficiency. Last evaluated: 2024-08-15. Review status: criteria provided, single submitter. Criteria: Invitae Variant Classification Sherloc (09022015). Collection method: clinical testing. Allele origin: germline.
Comment: This sequence change replaces aspartic acid, which is acidic and polar, with alanine, which is neutral and non-polar, at codon 226 of the OTC protein (p.Asp226Ala). This variant is not present in population databases (gnomAD no frequency). This variant has not been reported in the literature in individuals affected with OTC-related conditions. Invitae Evidence Modeling of protein sequence and biophysical properties (such as structural, functional, and spatial information, amino acid conservation, physicochemical variation, residue mobility, and thermodynamic stability) indicates that this missense variant is expected to disrupt OTC protein function with a positive predictive value of 95%. In summary, the available evidence is currently insufficient to determine the role of this variant in disease. Therefore, it has been classified as a Variant of Uncertain Significance.

NM_000531.6(OTC):c.677A>C (p.Asp226Ala)

Gene: OTC (ornithine transcarbamylase; plus strand). Cytogenetic location: Xp11.4.
Variant type: single nucleotide variant.
Coding change: c.677A>C on transcript NM_000531.6 (MANE Select); coding-DNA position 677, A replaced by C.
Protein change: p.Asp226Ala; replaces aspartic acid 226 with alanine.
Molecular consequence: missense variant.
Genome position (GRCh38, 1-based): chrX:38,408,755, A>C. VCF-style: chrX-38408755-A-C. GRCh37 (hg19) VCF-style: chrX-38268008-A-C.
Other names: c.677A>C, p.Asp226Ala (NM_001407092.1); c.677A>C (NM_000531.5); short protein forms D226A.
Identifiers: ClinVar variation 3716287 (VCV003716287.3).
Genomic context (GRCh38, chrX:38,408,755, plus strand): 5'-TGTATAATAAAATTACCTAAATAAGATTTAAATTCTTCCTCCTTTAGGGTTATGAGCCGG[A>C]TGCTAGTGTAACCAAGTTGGCAGAGCAGTATGCCAAAGAGGTATGCTCTTTACATGTAAA-3'
Protein context (NP_000522.3, residues 216-236): QAATPKGYEP[Asp226Ala]ASVTKLAEQY